The following is an entry in ClinVar:

NM_014000.3(VCL):c.1708C>G (p.Arg570Gly)

Gene: VCL (vinculin; plus strand). Cytogenetic location: 10q22.2.
Variant type: single nucleotide variant.
Coding change: c.1708C>G on transcript NM_014000.3 (MANE Select); coding-DNA position 1708, C replaced by G.
Protein change: p.Arg570Gly; replaces arginine 570 with glycine.
Molecular consequence: missense variant.
Genome position (GRCh38, 1-based): chr10:74,095,820, C>G. VCF-style: chr10-74095820-C-G. GRCh37 (hg19) VCF-style: chr10-75855578-C-G.
Other names: c.1708C>G, p.Arg570Gly (NM_003373.4); short protein forms R570G.
Identifiers: ClinVar variation 3611284 (VCV003611284.2).

ClinVar aggregate classification (germline): Uncertain significance (1 of 4 stars; one submission).

Conditions:
Dilated cardiomyopathy 1W (CMD1W). Identifiers: Orphanet 154, MedGen C1969639, MONDO:0012667, OMIM 611407.

gnomAD v4.1: 3 of 1,614,012 alleles (0.00019%); highest among the groups gnomAD compares: Admixed American, 0.005%; no homozygotes.

Submission:

Labcorp Genetics (formerly Invitae), Labcorp
Classification: Uncertain significance for Dilated cardiomyopathy 1W. Last evaluated: 2024-02-02. Review status: criteria provided, single submitter. Criteria: Invitae Variant Classification Sherloc (09022015). Collection method: clinical testing. Allele origin: germline.
Comment: This sequence change replaces arginine, which is basic and polar, with glycine, which is neutral and non-polar, at codon 570 of the VCL protein (p.Arg570Gly). This variant is present in population databases (no rsID available, gnomAD 0.003%). This variant has not been reported in the literature in individuals affected with VCL-related conditions. An algorithm developed to predict the effect of missense changes on protein structure and function (PolyPhen-2) suggests that this variant is likely to be disruptive. In summary, the available evidence is currently insufficient to determine the role of this variant in disease. Therefore, it has been classified as a Variant of Uncertain Significance.